The following is an entry in ClinVar:

NM_000551.4(VHL):c.553T>A (p.Tyr185Asn)

Genes: VHL (von Hippel-Lindau tumor suppressor; plus strand), LOC107303340 (3p25 von Hippel-Lindau tumor suppressor, E3 ubiquitin protein ligase Alu-mediated recombination region; plus strand). Cytogenetic location: 3p25.3.
Variant type: single nucleotide variant.
Coding change: c.553T>A on transcript NM_000551.4 (MANE Select); coding-DNA position 553, T replaced by A.
Protein change: p.Tyr185Asn; replaces tyrosine 185 with asparagine.
Molecular consequence: missense variant. On other transcripts: 3 prime UTR variant (1).
Genome position (GRCh38, 1-based): chr3:10,149,876, T>A. VCF-style: chr3-10149876-T-A. GRCh37 (hg19) VCF-style: chr3-10191560-T-A.
Other names: c.*107T>A (NM_001354723.2); c.430T>A, p.Tyr144Asn (NM_198156.3); c.553T>A (NM_000551.3); short protein forms Y144N, Y185N.
Identifiers: ClinVar variation 1385557 (VCV001385557.10), dbSNP rs768390987, ClinGen allele CA041587.

ClinVar aggregate classification (germline): Conflicting classifications of pathogenicity. Review status: criteria provided, conflicting classifications (1 of 4 stars). 5 submissions from 5 submitters: Uncertain significance (3); Benign (1); Likely benign (1). Last evaluated 2026-01-16.

Conditions:
Hereditary cancer-predisposing syndrome. Also called: Hereditary neoplastic syndrome; Tumor predisposition; Neoplastic Syndromes, Hereditary; Hereditary Cancer Syndrome. Identifiers: Orphanet 140162, MedGen C0027672, MeSH D009386, MONDO:0015356.
Nonpapillary renal cell carcinoma. Identifiers: Orphanet 422526, MedGen CN074294, MONDO:0007763, OMIM 144700.
Pheochromocytoma. Also called: MAX-Related Hereditary Paraganglioma-Pheochromocytoma Syndrome. Identifiers: Orphanet 29072, MedGen C0031511, MONDO:0008233, OMIM 171300, HP:0002666.
Chuvash polycythemia. Also called: POLYCYTHEMIA, VHL-DEPENDENT. Identifiers: Orphanet 238557, MedGen C1837915, MONDO:0009892, OMIM 263400.
Von Hippel-Lindau syndrome (VHLS). Also called: von Hippel–Lindau syndrome; VHL syndrome; Von Hippel-Lindau. Identifiers: Orphanet 892, MedGen C0019562, MONDO:0008667, OMIM 193300. Disease mechanism: loss of function.

Allele frequency attached by ClinVar (database versions not stated): gnomAD 0.00001; gnomAD exomes 0.00001; TOPMed 0.00001; ExAC 0.00002.
gnomAD v4.1: 2 of 1,614,064 alleles (0.00012%); highest among the groups gnomAD compares: African/African-American, 0.0027%; no homozygotes.

Submissions (5):

Ambry Genetics
Classification: Benign for Hereditary cancer-predisposing syndrome. Last evaluated: 2026-01-16. Review status: criteria provided, single submitter. Criteria: Ambry Variant Classification Scheme 2023. Collection method: clinical testing. Allele origin: germline.

Labcorp Genetics (formerly Invitae), Labcorp
Classification: Uncertain significance for Von Hippel-Lindau syndrome; Chuvash polycythemia. Last evaluated: 2025-09-22. Review status: criteria provided, single submitter. Criteria: Invitae Variant Classification Sherloc (09022015). Collection method: clinical testing. Allele origin: germline.
Comment: This sequence change replaces tyrosine, which is neutral and polar, with asparagine, which is neutral and polar, at codon 185 of the VHL protein (p.Tyr185Asn). This variant is present in population databases (rs768390987, gnomAD 0.01%). This variant has not been reported in the literature in individuals affected with VHL-related conditions. ClinVar contains an entry for this variant (Variation ID: 1385557). Invitae Evidence Modeling of protein sequence and biophysical properties (such as structural, functional, and spatial information, amino acid conservation, physicochemical variation, residue mobility, and thermodynamic stability) indicates that this missense variant is expected to disrupt VHL protein function with a positive predictive value of 95%. In summary, the available evidence is currently insufficient to determine the role of this variant in disease. Therefore, it has been classified as a Variant of Uncertain Significance.

Myriad Genetics, Inc.
Classification: Likely benign for Von Hippel-Lindau syndrome. Last evaluated: 2024-08-26. Review status: criteria provided, single submitter. Criteria: Myriad Autosomal Dominant, Autosomal Recessive and X-Linked Classification Criteria (2023). Collection method: clinical testing. Allele origin: unknown.
Comment: This variant is considered likely benign. This variant has been observed at a population frequency that is significantly greater than expected given the associated disease prevalence and penetrance.

Fulgent Genetics
Classification: Uncertain significance for Nonpapillary renal cell carcinoma; Pheochromocytoma; Von Hippel-Lindau syndrome; Chuvash polycythemia. Last evaluated: 2024-06-15. Review status: criteria provided, single submitter. Criteria: ACMG Guidelines, 2015. Collection method: clinical testing. Allele origin: germline.

Baylor Genetics
Classification: Uncertain significance for Chuvash polycythemia. Last evaluated: 2023-10-06. Review status: criteria provided, single submitter. Criteria: ACMG Guidelines, 2015. Collection method: clinical testing. Allele origin: unknown.

Literature cited by the submitters: PubMed 38969834 (cited by Ambry Genetics).